The following is an entry in ClinVar:

NM_020041.3(SLC2A9):c.1004T>A (p.Ile335Asn)

Gene: SLC2A9 (solute carrier family 2 member 9; minus strand). Cytogenetic location: 4p16.1.
Variant type: single nucleotide variant.
Coding change: c.1004T>A on transcript NM_020041.3 (MANE Select); coding-DNA position 1004, T replaced by A.
Protein change: p.Ile335Asn; replaces isoleucine 335 with asparagine.
Molecular consequence: missense variant.
Genome position (GRCh38, 1-based): chr4:9,908,344, A>T on the plus strand (T>A on the coding strand, the complement: SLC2A9 is on the minus strand). VCF-style: chr4-9908344-A-T. GRCh37 (hg19) VCF-style: chr4-9909968-A-T.
Other names: c.917T>A, p.Ile306Asn (NM_001001290.2); short protein forms I306N, I335N.
Identifiers: ClinVar variation 3039176 (VCV003039176.6), dbSNP rs748838061, ClinGen allele CA2857002.

ClinVar aggregate classification (germline): Uncertain significance. Review status: criteria provided, multiple submitters, no conflicts (2 of 4 stars). 4 submissions from 4 submitters: Uncertain significance (3). 1 of the submissions does not count toward it. Last evaluated 2026-01-20.

Conditions:
SLC2A9-related disorder. Also called: SLC2A9-related condition.
Inborn genetic diseases. Identifiers: MedGen C0950123, MeSH D030342.

gnomAD v4.1: 34 of 1,593,124 alleles (0.0021%); highest among the groups gnomAD compares: South Asian, 0.036%; no homozygotes.

Submissions (4):

GeneDx
Classification: Uncertain significance. Last evaluated: 2026-01-20. Review status: criteria provided, single submitter. Criteria: GeneDx Variant Classification Process June 2021. Collection method: clinical testing. Allele origin: germline. Affected: yes.
Comment: In silico analysis supports that this missense variant has a deleterious effect on protein structure/function; This variant is associated with the following publications: (PMID: 38899214, 39421323)

Blueprint Genetics
Classification: Uncertain significance. Last evaluated: 2024-10-23. Review status: criteria provided, single submitter. Criteria: ACMG Guidelines, 2015. Collection method: clinical testing. Allele origin: germline.

Ambry Genetics
Classification: Uncertain significance for Inborn genetic diseases. Last evaluated: 2024-09-30. Review status: criteria provided, single submitter. Criteria: Ambry Variant Classification Scheme 2023. Collection method: clinical testing. Allele origin: germline.

PreventionGenetics, part of Exact Sciences
Classification: Uncertain significance for SLC2A9-related condition. Last evaluated: 2023-11-27. Review status: no assertion criteria provided. Collection method: clinical testing. Allele origin: germline. Not counted in ClinVar's aggregate classification.
Comment: The SLC2A9 c.1004T>A variant is predicted to result in the amino acid substitution p.Ile335Asn. To our knowledge, this variant has not been reported in the literature. This variant is reported in 0.036% of alleles in individuals of South Asian descent in gnomAD. The nucleotide is located at the intron-exon boundary region (the second base of exon 8) and this change is predicted to possibly affect the normal splicing (Alamut Visual Plus v1.6.1). At this time, the clinical significance of this variant is uncertain due to the absence of conclusive functional and genetic evidence.